The following is an entry in ClinVar:

NM_005026.5(PIK3CD):c.1484G>A (p.Gly495Glu)

Gene: PIK3CD (phosphatidylinositol-4,5-bisphosphate 3-kinase catalytic subunit delta; plus strand). Cytogenetic location: 1p36.22.
Variant type: single nucleotide variant.
Coding change: c.1484G>A on transcript NM_005026.5 (MANE Select); coding-DNA position 1484, G replaced by A.
Protein change: p.Gly495Glu; replaces glycine 495 with glutamic acid.
Molecular consequence: missense variant.
Genome position (GRCh38, 1-based): chr1:9,720,624, G>A. VCF-style: chr1-9720624-G-A. GRCh37 (hg19) VCF-style: chr1-9780682-G-A.
Other names: c.1484G>A, p.Gly495Glu (NM_001350234.2); c.1397G>A, p.Gly466Glu (NM_001350235.1); short protein forms G466E, G495E.
Identifiers: ClinVar variation 3023732 (VCV003023732.3), dbSNP rs1400888893, ClinGen allele CA338303615.

ClinVar aggregate classification (germline): Uncertain significance (1 of 4 stars; one submission).

Conditions:
Immunodeficiency 14 (IMD14A). Also called: ACTIVATED PI3K-DELTA SYNDROME 1; p110-DELTA-ACTIVATING MUTATION CAUSING SENESCENT T CELLS, LYMPHADENOPATHY, AND IMMUNODEFICIENCY; Activated PI3K Delta Syndrome Type 1 (APDS1); IMMUNODEFICIENCY 14A WITH LYMPHOPROLIFERATION, AUTOSOMAL DOMINANT. Identifiers: Orphanet 397596, Orphanet 693661, MedGen C5907821, MONDO:0014222, OMIM 615513.

Allele frequency attached by ClinVar (database versions not stated): gnomAD exomes below 0.00001.

Submission:

Labcorp Genetics (formerly Invitae), Labcorp
Classification: Uncertain significance for Activated PI3K-delta syndrome. Last evaluated: 2023-08-21. Review status: criteria provided, single submitter. Criteria: Invitae Variant Classification Sherloc (09022015). Collection method: clinical testing. Allele origin: germline.
Comment: An algorithm developed to predict the effect of missense changes on protein structure and function (PolyPhen-2) suggests that this variant is likely to be tolerated. In summary, the available evidence is currently insufficient to determine the role of this variant in disease. Therefore, it has been classified as a Variant of Uncertain Significance. This variant has not been reported in the literature in individuals affected with PIK3CD-related conditions. This sequence change replaces glycine, which is neutral and non-polar, with glutamic acid, which is acidic and polar, at codon 495 of the PIK3CD protein (p.Gly495Glu). This variant is not present in population databases (gnomAD no frequency).